The following is an entry in ClinVar:

NM_000256.3(MYBPC3):c.1352A>T (p.Glu451Val)

Gene: MYBPC3 (myosin binding protein C3; minus strand). Cytogenetic location: 11p11.2.
Variant type: single nucleotide variant.
Coding change: c.1352A>T on transcript NM_000256.3 (MANE Select); coding-DNA position 1352, A replaced by T.
Protein change: p.Glu451Val; replaces glutamic acid 451 with valine.
Molecular consequence: missense variant.
Genome position (GRCh38, 1-based): chr11:47,342,935, T>A on the plus strand (A>T on the coding strand, the complement: MYBPC3 is on the minus strand). VCF-style: chr11-47342935-T-A. GRCh37 (hg19) VCF-style: chr11-47364486-T-A.
Other names: short protein forms E451V.
Identifiers: ClinVar variation 3236103 (VCV003236103.1), dbSNP rs2495763709, ClinGen allele CA380326500.

ClinVar aggregate classification (germline): Uncertain significance (1 of 4 stars; one submission).

Conditions:
Hypertrophic cardiomyopathy 4. Also called: Familial hypertrophic cardiomyopathy 4. Identifiers: MedGen C1861862, MONDO:0007268, OMIM 115197.

Submission:

MVZ Medizinische Genetik Mainz
Classification: Uncertain significance for Hypertrophic cardiomyopathy 4. Last evaluated: 2024-01-08. Review status: criteria provided, single submitter. Criteria: UK Practice Guidelines For Variant Classification V4 01 2020. Collection method: clinical testing. Allele origin: germline. Inheritance: Autosomal dominant inheritance. Affected: yes. Observed: 1 variant allele.
Comment: ACMG Criteria: PM2_SUP